The following is an entry in ClinVar:

ClinVar aggregate classification (germline): Benign/Likely benign. Review status: criteria provided, multiple submitters, no conflicts (2 of 4 stars). 3 submissions from 3 submitters: Benign (1); Likely benign (2). Last evaluated 2024-09-06.

Allele frequency attached by ClinVar (database versions not stated): gnomAD 0.00019 and 0.00021; gnomAD exomes 0.00019 and 0.00036; TOPMed 0.00020; ExAC 0.00024; ESP Exome Variant Server 0.00038.
gnomAD v4.1: 540 of 1,605,476 alleles (0.034%); highest among the groups gnomAD compares: Non-Finnish European, 0.041%; 1 homozygote.

Submissions (3):

Blueprint Genetics
Classification: Likely benign. Last evaluated: 2024-09-06. Review status: criteria provided, single submitter. Criteria: ACMG Guidelines, 2015. Collection method: clinical testing. Allele origin: germline.

Labcorp Genetics (formerly Invitae), Labcorp
Classification: Benign. Last evaluated: 2024-03-12. Review status: criteria provided, single submitter. Criteria: Invitae Variant Classification Sherloc (09022015). Collection method: clinical testing. Allele origin: germline.

CeGaT Center for Human Genetics Tuebingen
Classification: Likely benign. Last evaluated: 2023-11-01. Review status: criteria provided, single submitter. Criteria: CeGaT Center For Human Genetics Tuebingen Variant Classification Criteria Version 2. Collection method: clinical testing. Allele origin: germline. Affected: yes. Observed: 1 variant allele.
Comment: ATP2B2: BP4, BP7

NM_001001331.4(ATP2B2):c.1707G>A (p.Thr569=)

Gene: ATP2B2 (ATPase plasma membrane Ca2+ transporting 2; minus strand). Cytogenetic location: 3p25.3.
Variant type: single nucleotide variant.
Coding change: c.1707G>A on transcript NM_001001331.4 (MANE Select); coding-DNA position 1707, G replaced by A.
Protein change: p.Thr569=; no amino-acid change (threonine 569 retained).
Molecular consequence: synonymous variant.
Genome position (GRCh38, 1-based): chr3:10,360,076, C>T on the plus strand (G>A on the coding strand, the complement: ATP2B2 is on the minus strand). VCF-style: chr3-10360076-C-T. GRCh37 (hg19) VCF-style: chr3-10401760-C-T.
Other names: c.1572G>A, p.Thr524= (NM_001330611.3, NM_001353564.1, NM_001363862.1 and 1 more transcripts).
Identifiers: ClinVar variation 1544036 (VCV001544036.31), dbSNP rs147380435, ClinGen allele CA2253592.